The following is an entry in ClinVar:

NM_001040108.2(MLH3):c.2263G>A (p.Glu755Lys)

Gene: MLH3 (mutL homolog 3; minus strand). Cytogenetic location: 14q24.3.
Variant type: single nucleotide variant.
Coding change: c.2263G>A on transcript NM_001040108.2 (MANE Select); coding-DNA position 2263, G replaced by A.
Protein change: p.Glu755Lys; replaces glutamic acid 755 with lysine.
Molecular consequence: missense variant.
Genome position (GRCh38, 1-based): chr14:75,047,393, C>T on the plus strand (G>A on the coding strand, the complement: MLH3 is on the minus strand). VCF-style: chr14-75047393-C-T. GRCh37 (hg19) VCF-style: chr14-75514096-C-T.
Other names: c.2263G>A, p.Glu755Lys (NM_014381.3); short protein forms E755K.
Identifiers: ClinVar variation 1788667 (VCV001788667.2), dbSNP rs1355406319, ClinGen allele CA390441092.

ClinVar aggregate classification (germline): Uncertain significance (1 of 4 stars; one submission).

Submission:

Ambry Genetics
Classification: Uncertain significance. Last evaluated: 2022-10-12. Review status: criteria provided, single submitter. Criteria: Ambry Variant Classification Scheme 2023. Collection method: clinical testing. Allele origin: germline.
Comment: The p.E755K variant (also known as c.2263G>A), located in coding exon 1 of the MLH3 gene, results from a G to A substitution at nucleotide position 2263. The glutamic acid at codon 755 is replaced by lysine, an amino acid with similar properties. This amino acid position is conserved. In addition, the in silico prediction for this alteration is inconclusive. Since supporting evidence is limited at this time, the clinical significance of this alteration remains unclear.